The following is an entry in ClinVar:

NM_004370.6(COL12A1):c.1892-7_1892-6insC

Gene: COL12A1 (collagen type XII alpha 1 chain; minus strand). Cytogenetic location: 6q13.
Variant type: Insertion.
Coding change: c.1892-7_1892-6insC on transcript NM_004370.6 (MANE Select); 7 bases into the intron before coding-DNA position 1892 through 6 bases into the intron before coding-DNA position 1892, C inserted.
Molecular consequence: intron variant.
Genome position: GRCh38 VCF-style: chr6-75181217-T-TG. GRCh37 (hg19) VCF-style: chr6-75890933-T-TG.
Other names: p.?; c.73+21502_73+21503insC (NM_080645.3).
Identifiers: ClinVar variation 475846 (VCV000475846.19), dbSNP rs34433354, ClinGen allele CA3894107.

ClinVar aggregate classification (germline): Likely benign. Review status: criteria provided, multiple submitters, no conflicts (2 of 4 stars). 5 submissions from 5 submitters: Likely benign (4). 1 of the submissions does not count toward it. Last evaluated 2026-01-20.

Conditions:
Ullrich congenital muscular dystrophy 2 (UCMD2). Identifiers: Orphanet 75840, MedGen C4225314, MONDO:0014654, OMIM 616470.
Bethlem myopathy 2 (BTHLM2). Identifiers: Orphanet 536516, Orphanet 610, MedGen C4225313, MONDO:0034022, OMIM 616471.
COL12A1-related disorder. Also called: COL12A1-related condition.

Allele frequency attached by ClinVar (database versions not stated): gnomAD 0.00022; ExAC 0.00027; gnomAD exomes 0.00029.

Submissions (5):

Labcorp Genetics (formerly Invitae), Labcorp
Classification: Likely benign for Bethlem myopathy 2; Ullrich congenital muscular dystrophy 2. Last evaluated: 2026-01-20. Review status: criteria provided, single submitter. Criteria: Invitae Variant Classification Sherloc (09022015). Collection method: clinical testing. Allele origin: germline.

Women's Health and Genetics/Laboratory Corporation of America, LabCorp
Classification: Likely benign. Last evaluated: 2025-07-23. Review status: criteria provided, single submitter. Criteria: LabCorp Variant Classification Summary - May 2015. Collection method: clinical testing. Allele origin: germline.
Comment: Variant summary: COL12A1 c.1892-7_1892-6insC alters a nucleotide located at a position not widely known to affect splicing. Consensus agreement among computation tools predicts no significant impact on normal splicing. However, these predictions have yet to be confirmed by functional studies. The variant allele was found at a frequency of 0.00028 in 1255000 control chromosomes (gnomAD). Of note, the variant is located to a low complexity region, where several similar del/ins/dup variants are reported. To our knowledge, no occurrence of c.1892-7_1892-6insC in individuals affected with Ullrich congenital muscular dystrophy 2 and no experimental evidence demonstrating its impact on protein function have been reported. ClinVar contains an entry for this variant (Variation ID: 475846). Based on the evidence outlined above, the variant was classified as likely benign.

Mayo Clinic Laboratories, Mayo Clinic
Classification: Likely benign. Last evaluated: 2025-05-01. Review status: criteria provided, single submitter. Criteria: ACMG Guidelines, 2015. Collection method: clinical testing. Allele origin: germline. Observed: 2 variant alleles.
Comment: BP4, BP7, PM2_supporting

GeneDx
Classification: Likely benign. Last evaluated: 2019-03-22. Review status: criteria provided, single submitter. Criteria: GeneDx Variant Classification Process June 2021. Collection method: clinical testing. Allele origin: germline. Affected: yes.

PreventionGenetics, part of Exact Sciences
Classification: Likely benign for COL12A1-related condition. Last evaluated: 2020-02-12. Review status: no assertion criteria provided. Collection method: clinical testing. Allele origin: germline. Not counted in ClinVar's aggregate classification.
Comment: This variant is classified as likely benign based on ACMG/AMP sequence variant interpretation guidelines (Richards et al. 2015 PMID: 25741868, with internal and published modifications).